The following is an entry in ClinVar:

ClinVar aggregate classification (germline): Uncertain significance (1 of 4 stars; one submission).

Submission:

GeneDx
Classification: Uncertain significance. Last evaluated: 2026-02-12. Review status: criteria provided, single submitter. Criteria: GeneDx Variant Classification Process June 2021. Collection method: clinical testing. Allele origin: germline.
Comment: Not observed at significant frequency in large population cohorts (gnomAD); In silico analysis supports that this missense variant has a deleterious effect on protein structure/function; This substitution is predicted to be within the cytoplasmic loop between the second and third homologous domains; Has not been previously published as pathogenic or benign to our knowledge

NM_001165963.4(SCN1A):c.3121A>C (p.Lys1041Gln)

Genes: SCN1A (sodium voltage-gated channel alpha subunit 1; minus strand), LOC102724058 (uncharacterized LOC102724058; plus strand). Cytogenetic location: 2q24.3.
Variant type: single nucleotide variant.
Coding change: c.3121A>C on transcript NM_001165963.4 (MANE Select); coding-DNA position 3121, A replaced by C.
Protein change: p.Lys1041Gln; replaces lysine 1041 with glutamine.
Molecular consequence: missense variant. On other transcripts: non-coding transcript variant (2).
Genome position (GRCh38, 1-based): chr2:166,036,356, T>G on the plus strand (A>C on the coding strand, the complement: SCN1A is on the minus strand). VCF-style: chr2-166036356-T-G. GRCh37 (hg19) VCF-style: chr2-166892866-T-G.
Other names: c.3037A>C, p.Lys1013Gln (NM_001165964.3, NM_001353957.2, NM_001353958.2); c.3121A>C, p.Lys1041Gln (NM_001202435.3, NM_001353948.2); c.3088A>C, p.Lys1030Gln (NM_001353949.2, NM_001353950.2, NM_001353951.2 and 2 more transcripts); c.3085A>C, p.Lys1029Gln (NM_001353954.2, NM_001353955.2); c.3034A>C, p.Lys1012Gln (NM_001353960.2); c.679A>C, p.Lys227Gln (NM_001353961.2); short protein forms K1012Q, K1013Q, K1029Q, K1030Q, K1041Q, K227Q.
Identifiers: ClinVar variation 4976169 (VCV004976169.1).
Genomic context (GRCh38, chr2:166,036,356, plus strand): 5'-AACTGTCTTTCTTGTTGTTTAGATCATCAAGTGGTTTAATTTCATCTAAAATCTTTTGTT[T>G]CCTAATGAAGGACTGTTGAATAAATTCATATATTTTTCTTTTCACATAAGCTACTCCTTT-3'
Protein context (NP_001159435.1, residues 1031-1051): YEFIQQSFIR[Lys1041Gln]QKILDEIKPL